The following is an entry in ClinVar:

ClinVar aggregate classification (germline): Uncertain significance. Review status: criteria provided, multiple submitters, no conflicts (2 of 4 stars). 2 submissions from 2 submitters: Uncertain significance (2). Last evaluated 2026-03-23.

Conditions:
Cardiovascular phenotype. Identifiers: MedGen CN230736.
Progressive familial heart block type IB (PFHB1B). Identifiers: Orphanet 871, MedGen C1970298, MONDO:0011474, OMIM 604559.

Allele frequency attached by ClinVar (database versions not stated): gnomAD exomes below 0.00001.

Submissions (2):

Ambry Genetics
Classification: Uncertain significance for Cardiovascular phenotype. Last evaluated: 2026-03-23. Review status: criteria provided, single submitter. Criteria: Ambry Variant Classification Scheme 2023. Collection method: clinical testing. Allele origin: germline.
Comment: The p.L657M variant (also known as c.1969C>A), located in coding exon 14 of the TRPM4 gene, results from a C to A substitution at nucleotide position 1969. The leucine at codon 657 is replaced by methionine, an amino acid with highly similar properties. This amino acid position is conserved. In addition, this alteration is predicted to be tolerated by in silico analysis. Based on the available evidence, the clinical significance of this variant remains unclear.

Labcorp Genetics (formerly Invitae), Labcorp
Classification: Uncertain significance for Progressive familial heart block type IB. Last evaluated: 2023-08-04. Review status: criteria provided, single submitter. Criteria: Invitae Variant Classification Sherloc (09022015). Collection method: clinical testing. Allele origin: germline.
Comment: This variant has not been reported in the literature in individuals affected with TRPM4-related conditions. In summary, the available evidence is currently insufficient to determine the role of this variant in disease. Therefore, it has been classified as a Variant of Uncertain Significance. An algorithm developed to predict the effect of missense changes on protein structure and function (PolyPhen-2) suggests that this variant is likely to be disruptive. ClinVar contains an entry for this variant (Variation ID: 946894). This variant is present in population databases (no rsID available, gnomAD 0.006%). This sequence change replaces leucine, which is neutral and non-polar, with methionine, which is neutral and non-polar, at codon 657 of the TRPM4 protein (p.Leu657Met).

NM_017636.4(TRPM4):c.1969C>A (p.Leu657Met)

Gene: TRPM4 (transient receptor potential cation channel subfamily M member 4; plus strand). Cytogenetic location: 19q13.33.
Variant type: single nucleotide variant.
Coding change: c.1969C>A on transcript NM_017636.4 (MANE Select); coding-DNA position 1969, C replaced by A.
Protein change: p.Leu657Met; replaces leucine 657 with methionine.
Molecular consequence: missense variant.
Genome position (GRCh38, 1-based): chr19:49,189,041, C>A. VCF-style: chr19-49189041-C-A. GRCh37 (hg19) VCF-style: chr19-49692298-C-A.
Other names: c.1969C>A, p.Leu657Met (NM_001195227.2); c.1624C>A, p.Leu542Met (NM_001321281.2); c.361C>A, p.Leu121Met (NM_001321282.2); c.1447C>A, p.Leu483Met (NM_001321283.2); c.907C>A, p.Leu303Met (NM_001321285.2); short protein forms L303M, L483M, L542M, L121M, L657M.
Identifiers: ClinVar variation 946894 (VCV000946894.10), dbSNP rs1184090286, ClinGen allele CA406804009.